The following is an entry in ClinVar:

ClinVar aggregate classification (germline): Likely pathogenic. Review status: reviewed by expert panel (3 of 4 stars). 2 submissions from 2 submitters: Likely pathogenic (1). 1 of the submissions does not count toward it. Last evaluated 2022-12-15.

Conditions:
Very long chain acyl-CoA dehydrogenase deficiency (ACADVLD). Also called: Very Long-Chain Acyl-Coenzyme A Dehydrogenase Deficiency; VLCAD Deficiency. Identifiers: Orphanet 26793, MedGen C3887523, MONDO:0008723, OMIM 201475.

Submissions (2):

ClinGen ACADVL Variant Curation Expert Panel, ClinGen
Classification: Likely pathogenic for Very long chain acyl-CoA dehydrogenase deficiency. Last evaluated: 2022-12-15. Review status: reviewed by expert panel. Criteria: clingen acadvl acmg specifications v1. Collection method: curation. Allele origin: germline. Inheritance: Autosomal recessive inheritance.
Comment: The NM_000018.4(ACADVL):c.1173T>A (p.Tyr391Ter) variant in ACADVL is a nonsense variant predicted to cause a premature stop codon in biologically relevant exon 11 leading to nonsense mediate decay in a gene in which loss-of-function is an established disease mechanism (PVS1; PMIDs 9973285, 11590124). This variant is absent from gnomAD v2.1.1 (PM2_Supporting). In summary, this variant meets the criteria to be classified as likely pathogenic for autosomal recessive VLCAD deficiency based on the ACMG/AMP criteria applied, as specified by the ClinGen ACADVL Variant Curation Expert Panel: PVS1, PM2_Supporting.

Labcorp Genetics (formerly Invitae), Labcorp
Classification: Pathogenic for Very long chain acyl-CoA dehydrogenase deficiency. Last evaluated: 2019-09-25. Review status: criteria provided, single submitter. Criteria: Invitae Variant Classification Sherloc (09022015). Collection method: clinical testing. Allele origin: germline. Not counted in ClinVar's aggregate classification.
Comment: This sequence change creates a premature translational stop signal (p.Tyr391*) in the ACADVL gene. It is expected to result in an absent or disrupted protein product. Algorithms developed to predict the effect of sequence changes on RNA splicing suggest that this variant may create or strengthen a splice site, but this prediction has not been confirmed by published transcriptional studies. Loss-of-function variants in ACADVL are known to be pathogenic (PMID: 9973285, 11590124). For these reasons, this variant has been classified as Pathogenic. This variant is not present in population databases (ExAC no frequency). This variant has not been reported in the literature in individuals with ACADVL-related conditions.

Literature cited by the submitters: PubMed 9973285 (cited by Labcorp Genetics (formerly Invitae), Labcorp); PubMed 11590124 (cited by Labcorp Genetics (formerly Invitae), Labcorp).

NM_000018.4(ACADVL):c.1173T>A (p.Tyr391Ter)

Gene: ACADVL (acyl-CoA dehydrogenase very long chain; plus strand). Cytogenetic location: 17p13.1.
Variant type: single nucleotide variant.
Coding change: c.1173T>A on transcript NM_000018.4 (MANE Select); coding-DNA position 1173, T replaced by A.
Protein change: p.Tyr391Ter; replaces tyrosine 391 with a stop codon.
Molecular consequence: nonsense.
Genome position (GRCh38, 1-based): chr17:7,223,228, T>A. VCF-style: chr17-7223228-T-A. GRCh37 (hg19) VCF-style: chr17-7126547-T-A.
Other names: NM_000018.4(ACADVL):c.1173T>A; p.Tyr391Ter; c.1107T>A, p.Tyr369Ter (NM_001033859.3); c.1242T>A, p.Tyr414Ter (NM_001270447.2); c.945T>A, p.Tyr315Ter (NM_001270448.2); short protein forms Y369*, Y391*, Y315*, Y414*.
Identifiers: ClinVar variation 936835 (VCV000936835.9), dbSNP rs2071316298, ClinGen allele CA397724510.